The following is an entry in ClinVar:

NM_000138.5(FBN1):c.6492T>A (p.Cys2164Ter)

Gene: FBN1 (fibrillin 1; minus strand). Cytogenetic location: 15q21.1.
Variant type: single nucleotide variant.
Coding change: c.6492T>A on transcript NM_000138.5 (MANE Select); coding-DNA position 6492, T replaced by A.
Protein change: p.Cys2164Ter; replaces cysteine 2164 with a stop codon.
Molecular consequence: nonsense.
Genome position (GRCh38, 1-based): chr15:48,436,965, A>T on the plus strand (T>A on the coding strand, the complement: FBN1 is on the minus strand). VCF-style: chr15-48436965-A-T. GRCh37 (hg19) VCF-style: chr15-48729162-A-T.
Other names: short protein forms C2164*.
Identifiers: ClinVar variation 263864 (VCV000263864.5), dbSNP rs886038957, ClinGen allele CA10587806.
Genomic context (GRCh38, chr15:48,436,965, plus strand): 5'-TGTATAGCTTAATTTTTAATTTGTAAAGTTCCTATGGAAGAAAACTTATTACTCACCTAC[A>T]CATTCATTCCCTGCTAGAATATAACCAAAGGGACACTCGCAGCGATAGGAACCATCTGTA-3'

ClinVar aggregate classification (germline): Pathogenic (1 of 4 stars; one submission).

Conditions:
Familial thoracic aortic aneurysm and aortic dissection (TAAD). Also called: Thoracic aortic aneurysms and dissections. Identifiers: Orphanet 91387, MedGen C4707243, MONDO:0019625.

Submission:

Ambry Genetics
Classification: Pathogenic for Familial thoracic aortic aneurysm and aortic dissection. Last evaluated: 2014-09-29. Review status: criteria provided, single submitter. Criteria: Ambry Variant Classification Scheme 2023. Collection method: clinical testing. Allele origin: germline.
Comment: The p.C2164* pathogenic mutation (also known as c.6492T>A), located in coding exon 52 of the FBN1 gene in the cb EGF-like #32 domain, results from a T to A substitution at nucleotide position 6492. This changes the amino acid from a cysteine to a stop codon within coding exon 52. Since premature stop codons are typically deleterious in nature, this alteration is interpreted as a disease-causing mutation (ACMG Recommendations for Standards for Interpretation and Reporting of Sequence Variations. Revision 2007. Genet Med. 2008;10:294).